The following is an entry in ClinVar:

ClinVar aggregate classification (germline): Conflicting classifications of pathogenicity. Review status: criteria provided, conflicting classifications (1 of 4 stars). 3 submissions from 3 submitters: Uncertain significance (2); Likely benign (1). Last evaluated 2025-03-11.

Conditions:
Hereditary cancer-predisposing syndrome. Also called: Hereditary Cancer Syndrome; Neoplastic Syndromes, Hereditary; Hereditary neoplastic syndrome; Tumor predisposition. Identifiers: Orphanet 140162, MedGen C0027672, MeSH D009386, MONDO:0015356.
Ataxia-telangiectasia syndrome (AT). Also called: Cerebello-oculocutaneous telangiectasia; Immunodeficiency with ataxia telangiectasia; Ataxia-telangiectasia, complementation group E; Ataxia-telangiectasia, complementation group D; AT, COMPLEMENTATION GROUP C; ATAXIA-TELANGIECTASIA, COMPLEMENTATION GROUP A. Identifiers: Orphanet 100, MedGen C0004135, MONDO:0008840, OMIM 208900.

Submissions (3):

Ambry Genetics
Classification: Likely benign for Hereditary cancer-predisposing syndrome. Last evaluated: 2025-03-11. Review status: criteria provided, single submitter. Criteria: Ambry Variant Classification Scheme 2023. Collection method: clinical testing. Allele origin: germline.

Labcorp Genetics (formerly Invitae), Labcorp
Classification: Uncertain significance for Ataxia-telangiectasia syndrome. Last evaluated: 2024-05-02. Review status: criteria provided, single submitter. Criteria: Invitae Variant Classification Sherloc (09022015). Collection method: clinical testing. Allele origin: germline.
Comment: This sequence change replaces lysine, which is basic and polar, with glutamic acid, which is acidic and polar, at codon 296 of the ATM protein (p.Lys296Glu). This variant is not present in population databases (gnomAD no frequency). This variant has not been reported in the literature in individuals affected with ATM-related conditions. ClinVar contains an entry for this variant (Variation ID: 822785). An algorithm developed to predict the effect of missense changes on protein structure and function (PolyPhen-2) suggests that this variant is likely to be tolerated. In summary, the available evidence is currently insufficient to determine the role of this variant in disease. Therefore, it has been classified as a Variant of Uncertain Significance.

Color Diagnostics, LLC DBA Color Health
Classification: Uncertain significance for Hereditary cancer-predisposing syndrome. Last evaluated: 2024-03-06. Review status: criteria provided, single submitter. Criteria: ACMG Guidelines, 2015. Collection method: clinical testing. Allele origin: germline.
Comment: This missense variant replaces lysine with glutamic acid at codon 296 of the ATM protein. Computational prediction suggests that this variant may not impact protein structure and function (internally defined REVEL score threshold <= 0.5, PMID: 27666373). To our knowledge, functional studies have not been reported for this variant. This variant has not been reported in individuals affected with hereditary cancer in the literature. This variant has not been identified in the general population by the Genome Aggregation Database (gnomAD). The available evidence is insufficient to determine the role of this variant in disease conclusively. Therefore, this variant is classified as a Variant of Uncertain Significance.

NM_000051.4(ATM):c.886A>G (p.Lys296Glu)

Gene: ATM (ATM serine/threonine kinase; plus strand). Cytogenetic location: 11q22.3.
Variant type: single nucleotide variant.
Coding change: c.886A>G on transcript NM_000051.4 (MANE Select); coding-DNA position 886, A replaced by G.
Protein change: p.Lys296Glu; replaces lysine 296 with glutamic acid.
Molecular consequence: missense variant.
Genome position (GRCh38, 1-based): chr11:108,245,011, A>G. VCF-style: chr11-108245011-A-G. GRCh37 (hg19) VCF-style: chr11-108115738-A-G.
Other names: c.886A>G, p.Lys296Glu (NM_001351834.2); short protein forms K296E.
Identifiers: ClinVar variation 822785 (VCV000822785.16), dbSNP rs1591504793, ClinGen allele CA382529596.